The following is an entry in ClinVar:

NM_006361.6(HOXB13):c.342C>T (p.Pro114=)

Gene: HOXB13 (homeobox B13; minus strand). Cytogenetic location: 17q21.32.
Variant type: single nucleotide variant.
Coding change: c.342C>T on transcript NM_006361.6 (MANE Select); coding-DNA position 342, C replaced by T.
Protein change: p.Pro114=; no amino-acid change (proline 114 retained).
Molecular consequence: synonymous variant.
Genome position (GRCh38, 1-based): chr17:48,728,252, G>A on the plus strand (C>T on the coding strand, the complement: HOXB13 is on the minus strand). VCF-style: chr17-48728252-G-A. GRCh37 (hg19) VCF-style: chr17-46805614-G-A.
Identifiers: ClinVar variation 823762 (VCV000823762.15), dbSNP rs1344504139, ClinGen allele CA500661883.
Genomic context (GRCh38, chr17:48,728,252, plus strand): 5'-CGGATATCCCGGATAGAAGGCAAACTCAGTGGGGCGGCTGGGGTACTCTTCCCCGGCCGT[G>A]GGAGTCTCCGCGGGGTACGCGGCCAGGGTGGCTGCCTGGGCACAGGGTTTCAGCGAGCTC-3'
Protein context (NP_006352.2, residues 104-124): ATLAAYPAET[Pro114=]TAGEEYPSRP

ClinVar aggregate classification (germline): Benign/Likely benign. Review status: criteria provided, multiple submitters, no conflicts (2 of 4 stars). 3 submissions from 3 submitters: Benign (1); Likely benign (2). Last evaluated 2025-09-03.

Conditions:
Hereditary cancer-predisposing syndrome. Also called: Neoplastic Syndromes, Hereditary; Tumor predisposition; Hereditary neoplastic syndrome; Hereditary Cancer Syndrome. Identifiers: Orphanet 140162, MedGen C0027672, MeSH D009386, MONDO:0015356.
Prostate cancer, hereditary, 9 (HPC9). Identifiers: Orphanet 1331, MedGen C1970250, MONDO:0012597, OMIM 610997.

Allele frequency attached by ClinVar (database versions not stated): gnomAD exomes below 0.00001.
gnomAD v4.1: 5 of 1,614,194 alleles (0.00031%); highest among the groups gnomAD compares: Non-Finnish European, 0.00025%; no homozygotes.

Submissions (3):

Labcorp Genetics (formerly Invitae), Labcorp
Classification: Likely benign. Last evaluated: 2025-09-03. Review status: criteria provided, single submitter. Criteria: Invitae Variant Classification Sherloc (09022015). Collection method: clinical testing. Allele origin: germline.

Myriad Genetics, Inc.
Classification: Benign for Prostate cancer, hereditary, 9. Last evaluated: 2024-10-29. Review status: criteria provided, single submitter. Criteria: Myriad Autosomal Dominant, Autosomal Recessive and X-Linked Classification Criteria (2023). Collection method: clinical testing. Allele origin: unknown.
Comment: This variant is considered benign. This variant is a silent/synonymous amino acid change and it is not expected to impact splicing.

Ambry Genetics
Classification: Likely benign for Hereditary cancer-predisposing syndrome. Last evaluated: 2017-12-15. Review status: criteria provided, single submitter. Criteria: Ambry Variant Classification Scheme 2023. Collection method: clinical testing. Allele origin: germline.